The following is an entry in ClinVar:

ClinVar aggregate classification (germline): Uncertain significance (1 of 4 stars; one submission).

Conditions:
Episodic ataxia type 2 (EA2). Also called: ACETAZOLAMIDE-RESPONSIVE HEREDITARY PAROXYSMAL CEREBELLAR ATAXIA; ATAXIA, EPISODIC, WITH NYSTAGMUS; ATAXIA, FAMILIAL PAROXYSMAL; CEREBELLAR ATAXIA, PAROXYSMAL, ACETAZOLAMIDE-RESPONSIVE; CEREBELLOPATHY, HEREDITARY PAROXYSMAL; EPISODIC ATAXIA, NYSTAGMUS-ASSOCIATED. Identifiers: Orphanet 97, MedGen C1720416, MONDO:0007163, OMIM 108500.
Developmental and epileptic encephalopathy, 42 (DEE42A). Also called: EPILEPTIC ENCEPHALOPATHY, EARLY INFANTILE, 42A; DEVELOPMENTAL AND EPILEPTIC ENCEPHALOPATHY 42A; Epileptic encephalopathy, early infantile, 42. Identifiers: MedGen C4310716, MONDO:0014917, OMIM 617106.

Allele frequency attached by ClinVar (database versions not stated): gnomAD exomes below 0.00001; TOPMed below 0.00001.
gnomAD v4.1: 3 of 1,608,624 alleles (0.00019%); highest among the groups gnomAD compares: Non-Finnish European, 0.00025%; no homozygotes.

Submission:

Labcorp Genetics (formerly Invitae), Labcorp
Classification: Uncertain significance for Developmental and epileptic encephalopathy, 42; Episodic ataxia type 2. Last evaluated: 2025-07-30. Review status: criteria provided, single submitter. Criteria: Invitae Variant Classification Sherloc (09022015). Collection method: clinical testing. Allele origin: germline.
Comment: This sequence change replaces arginine, which is basic and polar, with glutamine, which is neutral and polar, at codon 37 of the CACNA1A protein (p.Arg37Gln). This variant is not present in population databases (gnomAD no frequency). This variant has not been reported in the literature in individuals affected with CACNA1A-related conditions. ClinVar contains an entry for this variant (Variation ID: 2144554). Invitae Evidence Modeling of protein sequence and biophysical properties (such as structural, functional, and spatial information, amino acid conservation, physicochemical variation, residue mobility, and thermodynamic stability) indicates that this missense variant is not expected to disrupt CACNA1A protein function with a negative predictive value of 95%. In summary, the available evidence is currently insufficient to determine the role of this variant in disease. Therefore, it has been classified as a Variant of Uncertain Significance.

NM_001127222.2(CACNA1A):c.110G>A (p.Arg37Gln)

Gene: CACNA1A (calcium voltage-gated channel subunit alpha1 A; minus strand). Cytogenetic location: 19p13.13.
Variant type: single nucleotide variant.
Coding change: c.110G>A on transcript NM_001127222.2 (MANE Select); coding-DNA position 110, G replaced by A.
Protein change: p.Arg37Gln; replaces arginine 37 with glutamine.
Molecular consequence: missense variant.
Genome position (GRCh38, 1-based): chr19:13,506,115, C>T on the plus strand (G>A on the coding strand, the complement: CACNA1A is on the minus strand). VCF-style: chr19-13506115-C-T. GRCh37 (hg19) VCF-style: chr19-13616929-C-T.
Other names: c.110G>A, p.Arg37Gln (NM_000068.4, NM_001127221.2, NM_001174080.2 and 1 more transcripts); short protein forms R37Q.
Identifiers: ClinVar variation 2144554 (VCV002144554.4), dbSNP rs1391039223, ClinGen allele CA404971192.